The following is an entry in ClinVar:

ClinVar aggregate classification (germline): Uncertain significance (1 of 4 stars; one submission).

Submission:

Labcorp Genetics (formerly Invitae), Labcorp
Classification: Uncertain significance. Last evaluated: 2024-09-09. Review status: criteria provided, single submitter. Criteria: Invitae Variant Classification Sherloc (09022015). Collection method: clinical testing. Allele origin: germline.
Comment: This sequence change replaces methionine, which is neutral and non-polar, with lysine, which is basic and polar, at codon 177 of the EMC1 protein (p.Met177Lys). This variant is not present in population databases (gnomAD no frequency). This variant has not been reported in the literature in individuals affected with EMC1-related conditions. ClinVar contains an entry for this variant (Variation ID: 1355436). Invitae Evidence Modeling of protein sequence and biophysical properties (such as structural, functional, and spatial information, amino acid conservation, physicochemical variation, residue mobility, and thermodynamic stability) indicates that this missense variant is not expected to disrupt EMC1 protein function with a negative predictive value of 80%. In summary, the available evidence is currently insufficient to determine the role of this variant in disease. Therefore, it has been classified as a Variant of Uncertain Significance.

NM_015047.3(EMC1):c.530T>A (p.Met177Lys)

Gene: EMC1 (ER membrane protein complex subunit 1; minus strand). Cytogenetic location: 1p36.13.
Variant type: single nucleotide variant.
Coding change: c.530T>A on transcript NM_015047.3 (MANE Select); coding-DNA position 530, T replaced by A.
Protein change: p.Met177Lys; replaces methionine 177 with lysine.
Molecular consequence: missense variant.
Genome position (GRCh38, 1-based): chr1:19,241,122, A>T on the plus strand (T>A on the coding strand, the complement: EMC1 is on the minus strand). VCF-style: chr1-19241122-A-T. GRCh37 (hg19) VCF-style: chr1-19567616-A-T.
Other names: c.530T>A, p.Met177Lys (NM_001271427.2, NM_001271428.2, NM_001375820.1 and 1 more transcripts); c.464T>A, p.Met155Lys (NM_001271429.2); short protein forms M155K, M177K.
Identifiers: ClinVar variation 1355436 (VCV001355436.8), dbSNP rs749436505, ClinGen allele CA338770256.